The following is an entry in ClinVar:

NM_013275.6(ANKRD11):c.4925C>T (p.Pro1642Leu)

Gene: ANKRD11 (ankyrin repeat domain 11; minus strand). Cytogenetic location: 16q24.3.
Variant type: single nucleotide variant.
Coding change: c.4925C>T on transcript NM_013275.6 (MANE Select); coding-DNA position 4925, C replaced by T.
Protein change: p.Pro1642Leu; replaces proline 1642 with leucine.
Molecular consequence: missense variant.
Genome position (GRCh38, 1-based): chr16:89,281,617, G>A on the plus strand (C>T on the coding strand, the complement: ANKRD11 is on the minus strand). VCF-style: chr16-89281617-G-A. GRCh37 (hg19) VCF-style: chr16-89348025-G-A.
Other names: c.4925C>T, p.Pro1642Leu (NM_001256182.2, NM_001256183.2); short protein forms P1642L.
Identifiers: ClinVar variation 1492728 (VCV001492728.8), dbSNP rs753598147, ClinGen allele CA8242015.
Genomic context (GRCh38, chr16:89,281,617, plus strand): 5'-GGTGGAATAGGAGTCGACTCTTTGAGCTTTTTGTCTTTAAATGGAGGGTCCAGCCCCGGC[G>A]GTTTCTTAGCAGGAATGTCCAGACCCTTCTTCCGCCCGTCGTCTGCCGGCTTCGCCTTCT-3'
Protein context (NP_037407.4, residues 1632-1652): KKGLDIPAKK[Pro1642Leu]PGLDPPFKDK

ClinVar aggregate classification (germline): Conflicting classifications of pathogenicity. Review status: criteria provided, conflicting classifications (1 of 4 stars). 3 submissions from 3 submitters: Uncertain significance (2); Likely benign (1). Last evaluated 2025-02-16.

Conditions:
KBG syndrome (KBGS). Also called: ANKRD11-Related KBG Syndrome. Identifiers: Orphanet 2332, MedGen C0220687, MONDO:0007846, OMIM 148050.

Allele frequency attached by ClinVar (database versions not stated): ExAC 0.00001; gnomAD 0.00001; gnomAD exomes 0.00001; TOPMed 0.00001.
gnomAD v4.1: 10 of 1,614,164 alleles (0.00062%); highest among the groups gnomAD compares: East Asian, 0.0045%; no homozygotes.

Submissions (3):

Laboratory of Genetics, Children's Clinical University Hospital Latvia
Classification: Likely benign. Last evaluated: 2025-02-16. Review status: criteria provided, single submitter. Criteria: ACMG Guidelines, 2015. Collection method: clinical testing. Allele origin: germline. Affected: yes.

Labcorp Genetics (formerly Invitae), Labcorp
Classification: Uncertain significance for KBG syndrome. Last evaluated: 2024-08-13. Review status: criteria provided, single submitter. Criteria: Invitae Variant Classification Sherloc (09022015). Collection method: clinical testing. Allele origin: germline.
Comment: This sequence change replaces proline, which is neutral and non-polar, with leucine, which is neutral and non-polar, at codon 1642 of the ANKRD11 protein (p.Pro1642Leu). This variant is present in population databases (rs753598147, gnomAD 0.005%). This missense change has been observed in individual(s) with ANKRD11-related conditions (PMID: 35982159). ClinVar contains an entry for this variant (Variation ID: 1492728). Invitae Evidence Modeling of protein sequence and biophysical properties (such as structural, functional, and spatial information, amino acid conservation, physicochemical variation, residue mobility, and thermodynamic stability) indicates that this missense variant is not expected to disrupt ANKRD11 protein function with a negative predictive value of 95%. In summary, the available evidence is currently insufficient to determine the role of this variant in disease. Therefore, it has been classified as a Variant of Uncertain Significance.

Fulgent Genetics
Classification: Uncertain significance for KBG syndrome. Last evaluated: 2022-01-13. Review status: criteria provided, single submitter. Criteria: ACMG Guidelines, 2015. Collection method: clinical testing. Allele origin: unknown.

Literature cited by the submitters: PubMed 35982159 (cited by Labcorp Genetics (formerly Invitae), Labcorp).